The following is an entry in ClinVar:

NM_000234.3(LIG1):c.395C>T (p.Thr132Ile)

Gene: LIG1 (DNA ligase 1; minus strand). Cytogenetic location: 19q13.33.
Variant type: single nucleotide variant.
Coding change: c.395C>T on transcript NM_000234.3 (MANE Select); coding-DNA position 395, C replaced by T.
Protein change: p.Thr132Ile; replaces threonine 132 with isoleucine.
Molecular consequence: missense variant. On other transcripts: non-coding transcript variant (6), intron variant (1).
Genome position (GRCh38, 1-based): chr19:48,153,943, G>A on the plus strand (C>T on the coding strand, the complement: LIG1 is on the minus strand). VCF-style: chr19-48153943-G-A. GRCh37 (hg19) VCF-style: chr19-48657200-G-A.
Other names: c.305C>T, p.Thr102Ile (NM_001289063.2, NM_001320971.2); c.395C>T, p.Thr132Ile (NM_001320970.2); c.370+3071C>T (NM_001289064.2); short protein forms T102I, T132I.
Identifiers: ClinVar variation 1425403 (VCV001425403.8), dbSNP rs2122905961, ClinGen allele CA406658070.

ClinVar aggregate classification (germline): Uncertain significance (1 of 4 stars; one submission).

Submission:

Labcorp Genetics (formerly Invitae), Labcorp
Classification: Uncertain significance. Last evaluated: 2020-11-24. Review status: criteria provided, single submitter. Criteria: Invitae Variant Classification Sherloc (09022015). Collection method: clinical testing. Allele origin: germline.
Comment: In summary, the available evidence is currently insufficient to determine the role of this variant in disease. Therefore, it has been classified as a Variant of Uncertain Significance. Algorithms developed to predict the effect of missense changes on protein structure and function are either unavailable or do not agree on the potential impact of this missense change (SIFT: "Deleterious"; PolyPhen-2: "Benign"; Align-GVGD: "Class C0"). This variant has not been reported in the literature in individuals with LIG1-related conditions. This variant is not present in population databases (ExAC no frequency). This sequence change replaces threonine with isoleucine at codon 132 of the LIG1 protein (p.Thr132Ile). The threonine residue is moderately conserved and there is a moderate physicochemical difference between threonine and isoleucine.